The following is an entry in ClinVar:

NM_001375524.1(TRRAP):c.9288+4C>A

Gene: TRRAP (transformation/transcription domain associated protein; plus strand). Cytogenetic location: 7q22.1.
Variant type: single nucleotide variant.
Coding change: c.9288+4C>A on transcript NM_001375524.1 (MANE Select); 4 bases into the intron after coding-DNA position 9288, C replaced by A.
Molecular consequence: intron variant.
Genome position (GRCh38, 1-based): chr7:98,984,362, C>A. VCF-style: chr7-98984362-C-A. GRCh37 (hg19) VCF-style: chr7-98581985-C-A.
Other names: c.9213+4C>A (NM_003496.3, NM_003496.4); c.9300+4C>A (NM_001244580.2).
Identifiers: ClinVar variation 2052860 (VCV002052860.6), dbSNP rs373885246, ClinGen allele CA4361655.

ClinVar aggregate classification (germline): Benign. Review status: criteria provided, single submitter (1 of 4 stars). 2 submissions from 2 submitters: Benign (1). 1 of the submissions does not count toward it. Last evaluated 2025-10-13.

Conditions:
TRRAP-related disorder. Also called: TRRAP-related condition.

Allele frequency attached by ClinVar (database versions not stated): ESP Exome Variant Server 0.00008.
gnomAD v4.1: 244 of 1,551,310 alleles (0.016%); highest among the groups gnomAD compares: Non-Finnish European, 0.02%; no homozygotes.

Submissions (2):

Labcorp Genetics (formerly Invitae), Labcorp
Classification: Benign. Last evaluated: 2025-10-13. Review status: criteria provided, single submitter. Criteria: Invitae Variant Classification Sherloc (09022015). Collection method: clinical testing. Allele origin: germline.

PreventionGenetics, part of Exact Sciences
Classification: Likely benign for TRRAP-related condition. Last evaluated: 2019-10-18. Review status: no assertion criteria provided. Collection method: clinical testing. Allele origin: germline. Not counted in ClinVar's aggregate classification.
Comment: This variant is classified as likely benign based on ACMG/AMP sequence variant interpretation guidelines (Richards et al. 2015 PMID: 25741868, with internal and published modifications).